The following is an entry in ClinVar:

ClinVar aggregate classification (germline): Benign/Likely benign. Review status: criteria provided, multiple submitters, no conflicts (2 of 4 stars). 9 submissions from 9 submitters: Benign (3); Likely benign (3). 3 of the submissions do not count toward it. Last evaluated 2026-01-19.

Conditions:
COL9A2-related disorder. Also called: COL9A2-related condition.
Epiphyseal dysplasia, multiple, 2 (EDM2). Also called: COL9A2-Related Multiple Epiphyseal Dysplasia. Identifiers: MedGen C1838429, MONDO:0010844, OMIM 600204.

Allele frequency attached by ClinVar (database versions not stated): gnomAD exomes 0.00012 and 0.00027; ExAC 0.00035; gnomAD 0.00103 and 0.00105; TOPMed 0.00104; ESP Exome Variant Server 0.00131; 1000 Genomes Project 0.00160; 1000 Genomes Project 30x 0.00172.
gnomAD v4.1: 330 of 1,614,174 alleles (0.02%); highest among the groups gnomAD compares: African/African-American, 0.33%; 1 homozygote.

Submissions (9):

Labcorp Genetics (formerly Invitae), Labcorp
Classification: Benign. Last evaluated: 2026-01-19. Review status: criteria provided, single submitter. Criteria: Invitae Variant Classification Sherloc (09022015). Collection method: clinical testing. Allele origin: germline.

Blueprint Genetics
Classification: Likely benign. Last evaluated: 2024-10-02. Review status: criteria provided, single submitter. Criteria: ACMG Guidelines, 2015. Collection method: clinical testing. Allele origin: germline.

Women's Health and Genetics/Laboratory Corporation of America, LabCorp
Classification: Benign. Last evaluated: 2023-11-08. Review status: criteria provided, single submitter. Criteria: LabCorp Variant Classification Summary - May 2015. Collection method: clinical testing. Allele origin: germline.
Comment: Variant summary: COL9A2 c.151-8T>C alters a conserved nucleotide located close to a canonical splice site and therefore could affect mRNA splicing, leading to a significantly altered protein sequence. Consensus agreement among computation tools predict no significant impact on normal splicing. However, these predictions have yet to be confirmed by functional studies. The variant allele was found at a frequency of 0.00027 in 251436 control chromosomes, predominantly at a frequency of 0.0036 within the African or African-American subpopulation in the gnomAD database suggesting that the variant is a benign polymorphism found primarily in populations of African or African-American origin. To our knowledge, no occurrence of c.151-8T>C in individuals affected with Epiphyseal dysplasia, multiple, 2 and no experimental evidence demonstrating its impact on protein function have been reported. Three submitters have cited clinical-significance assessments for this variant to ClinVar after 2014. All submitters classified the variant as benign/likely benign. Based on the evidence outlined above, the variant was classified as benign.

GeneDx
Classification: Likely benign. Last evaluated: 2020-07-30. Review status: criteria provided, single submitter. Criteria: GeneDx Variant Classification Process June 2021. Collection method: clinical testing. Allele origin: germline. Affected: yes.

Illumina Laboratory Services, Illumina
Classification: Benign for Epiphyseal dysplasia, multiple, 2. Last evaluated: 2018-01-12. Review status: criteria provided, single submitter. Criteria: ICSL Variant Classification Criteria 13 December 2019. Collection method: clinical testing. Allele origin: germline.
Comment: This variant was observed in the ICSL laboratory as part of a predisposition screen in an ostensibly healthy population. It had not been previously curated by ICSL or reported in the Human Gene Mutation Database (HGMD: prior to June 1st, 2018), and was therefore a candidate for classification through an automated scoring system. Utilizing variant allele frequency, disease prevalence and penetrance estimates, and inheritance mode, an automated score was calculated to assess if this variant is too frequent to cause the disease. Based on the score and internal cut-off values, a variant classified as benign is not then subjected to further curation. The score for this variant resulted in a classification of benign for this disease.

Breakthrough Genomics
Classification: Likely benign. Review status: criteria provided, single submitter. Criteria: ACMG Guidelines, 2015. Collection method: not provided. Allele origin: germline. Inheritance: Autosomal recessive inheritance. Affected: yes.

PreventionGenetics, part of Exact Sciences
Classification: Likely benign for COL9A2-related condition. Last evaluated: 2019-07-15. Review status: no assertion criteria provided. Collection method: clinical testing. Allele origin: germline. Not counted in ClinVar's aggregate classification.
Comment: This variant is classified as likely benign based on ACMG/AMP sequence variant interpretation guidelines (Richards et al. 2015 PMID: 25741868, with internal and published modifications).

Clinical Genetics DNA and cytogenetics Diagnostics Lab, Erasmus MC, Erasmus Medical Center
Classification: Likely benign. Review status: no assertion criteria provided. Collection method: clinical testing. Allele origin: germline. Affected: yes. Study: VKGL Data-share Consensus. Not counted in ClinVar's aggregate classification.

Clinical Genetics, Academic Medical Center
Classification: Benign. Review status: no assertion criteria provided. Collection method: clinical testing. Allele origin: germline. Affected: yes. Study: VKGL Data-share Consensus. Not counted in ClinVar's aggregate classification.

NM_001852.4(COL9A2):c.151-8T>C

Gene: COL9A2 (collagen type IX alpha 2 chain; minus strand). Cytogenetic location: 1p34.2.
Variant type: single nucleotide variant.
Coding change: c.151-8T>C on transcript NM_001852.4 (MANE Select); 8 bases into the intron before coding-DNA position 151, T replaced by C.
Molecular consequence: intron variant.
Genome position (GRCh38, 1-based): chr1:40,314,395, A>G on the plus strand (T>C on the coding strand, the complement: COL9A2 is on the minus strand). VCF-style: chr1-40314395-A-G. GRCh37 (hg19) VCF-style: chr1-40780067-A-G.
Identifiers: ClinVar variation 740959 (VCV000740959.21), dbSNP rs144162904, ClinGen allele CA792090.